The following is an entry in ClinVar:

NM_199420.4(POLQ):c.543C>G (p.Phe181Leu)

Gene: POLQ (DNA polymerase theta; minus strand). Cytogenetic location: 3q13.33.
Variant type: single nucleotide variant.
Coding change: c.543C>G on transcript NM_199420.4 (MANE Select); coding-DNA position 543, C replaced by G.
Protein change: p.Phe181Leu; replaces phenylalanine 181 with leucine.
Molecular consequence: missense variant.
Genome position (GRCh38, 1-based): chr3:121,539,521, G>C on the plus strand (C>G on the coding strand, the complement: POLQ is on the minus strand). VCF-style: chr3-121539521-G-C. GRCh37 (hg19) VCF-style: chr3-121258368-G-C.
Other names: short protein forms F181L.
Identifiers: ClinVar variation 2448751 (VCV002448751.2), dbSNP rs36065146, ClinGen allele CA2563784.

ClinVar aggregate classification (germline): Uncertain significance (1 of 4 stars; one submission).

gnomAD v4.1: 1 of 1,612,536 alleles (0.000062%); highest among the groups gnomAD compares: East Asian, 0.0022%; no homozygotes.

Submission:

Ambry Genetics
Classification: Uncertain significance. Last evaluated: 2022-11-17. Review status: criteria provided, single submitter. Criteria: Ambry Variant Classification Scheme 2023. Collection method: clinical testing. Allele origin: germline.
Comment: The p.F181L variant (also known as c.543C>G), located in coding exon 4 of the POLQ gene, results from a C to G substitution at nucleotide position 543. The phenylalanine at codon 181 is replaced by leucine, an amino acid with highly similar properties. This amino acid position is conserved. In addition, this alteration is predicted to be tolerated by in silico analysis. Since supporting evidence is limited at this time, the clinical significance of this alteration remains unclear.